The following is an entry in ClinVar:

ClinVar aggregate classification (germline): Uncertain significance (1 of 4 stars; one submission).

gnomAD v4.1: 10 of 1,614,140 alleles (0.00062%); highest among the groups gnomAD compares: Admixed American, 0.0017%; no homozygotes.

Submission:

Labcorp Genetics (formerly Invitae), Labcorp
Classification: Uncertain significance. Last evaluated: 2024-06-22. Review status: criteria provided, single submitter. Criteria: Invitae Variant Classification Sherloc (09022015). Collection method: clinical testing. Allele origin: germline.
Comment: This sequence change replaces arginine, which is basic and polar, with cysteine, which is neutral and slightly polar, at codon 754 of the EMC1 protein (p.Arg754Cys). This variant is present in population databases (rs548851892, gnomAD 0.003%). This variant has not been reported in the literature in individuals affected with EMC1-related conditions. Advanced modeling of protein sequence and biophysical properties (such as structural, functional, and spatial information, amino acid conservation, physicochemical variation, residue mobility, and thermodynamic stability) performed at Invitae indicates that this missense variant is expected to disrupt EMC1 protein function with a positive predictive value of 80%. In summary, the available evidence is currently insufficient to determine the role of this variant in disease. Therefore, it has been classified as a Variant of Uncertain Significance.

NM_015047.3(EMC1):c.2260C>T (p.Arg754Cys)

Genes: EMC1 (ER membrane protein complex subunit 1; minus strand), EMC1-AS1 (EMC1 antisense RNA 1; plus strand). Cytogenetic location: 1p36.13.
Variant type: single nucleotide variant.
Coding change: c.2260C>T on transcript NM_015047.3 (MANE Select); coding-DNA position 2260, C replaced by T.
Protein change: p.Arg754Cys; replaces arginine 754 with cysteine.
Molecular consequence: missense variant.
Genome position (GRCh38, 1-based): chr1:19,223,512, G>A on the plus strand (C>T on the coding strand, the complement: EMC1 is on the minus strand). VCF-style: chr1-19223512-G-A. GRCh37 (hg19) VCF-style: chr1-19550006-G-A.
Other names: c.2257C>T, p.Arg753Cys (NM_001271427.2, NM_001271428.2); c.2194C>T, p.Arg732Cys (NM_001271429.2); c.2269C>T, p.Arg757Cys (NM_001375820.1); c.2266C>T, p.Arg756Cys (NM_001375821.1); short protein forms R732C, R753C, R754C, R756C, R757C.
Identifiers: ClinVar variation 3619733 (VCV003619733.2).